The following is an entry in ClinVar:

NM_024513.4(FYCO1):c.3322A>T (p.Lys1108Ter)

Gene: FYCO1 (FYVE and coiled-coil domain autophagy adaptor 1; minus strand). Cytogenetic location: 3p21.31.
Variant type: single nucleotide variant.
Coding change: c.3322A>T on transcript NM_024513.4 (MANE Select); coding-DNA position 3322, A replaced by T.
Protein change: p.Lys1108Ter; replaces lysine 1108 with a stop codon.
Molecular consequence: nonsense. On other transcripts: non-coding transcript variant (1).
Genome position (GRCh38, 1-based): chr3:45,962,340, T>A on the plus strand (A>T on the coding strand, the complement: FYCO1 is on the minus strand). VCF-style: chr3-45962340-T-A. GRCh37 (hg19) VCF-style: chr3-46003832-T-A.
Other names: c.3322A>T, p.Lys1108Ter (NM_001386421.1, NM_001386422.1, NM_001386423.1 and 4 more transcripts); c.3202A>T, p.Lys1068Ter (NM_001386426.1); c.3178A>T, p.Lys1060Ter (NM_001386427.1); c.2722A>T, p.Lys908Ter (NM_001386430.1); short protein forms K1060*, K1108*, K908*, K1068*.
Identifiers: ClinVar variation 1457244 (VCV001457244.6), dbSNP rs73830668, ClinGen allele CA352451330.

ClinVar aggregate classification (germline): Pathogenic (1 of 4 stars; one submission).

Conditions:
Cataract 18 (CATC2). Also called: CATARACT 18, AUTOSOMAL RECESSIVE. Identifiers: Orphanet 91492, Orphanet 98991, Orphanet 98992, Orphanet 98995, MedGen C1864908, MONDO:0012395, OMIM 610019.

Submission:

Labcorp Genetics (formerly Invitae), Labcorp
Classification: Pathogenic for Cataract 18. Last evaluated: 2021-05-10. Review status: criteria provided, single submitter. Criteria: Invitae Variant Classification Sherloc (09022015). Collection method: clinical testing. Allele origin: germline.
Comment: This variant has not been reported in the literature in individuals with FYCO1-related conditions. This sequence change creates a premature translational stop signal (p.Lys1108*) in the FYCO1 gene. It is expected to result in an absent or disrupted protein product. Loss-of-function variants in FYCO1 are known to be pathogenic (PMID: 21636066). This variant is not present in population databases (ExAC no frequency). For these reasons, this variant has been classified as Pathogenic.

Literature cited by the submitters: PubMed 21636066.